The following is an entry in ClinVar:

ClinVar aggregate classification (germline): Uncertain significance. Review status: criteria provided, multiple submitters, no conflicts (2 of 4 stars). 3 submissions from 3 submitters: Uncertain significance (3). Last evaluated 2025-12-16.

Conditions:
Ehlers-Danlos syndrome, classic type, 1 (EDSCL1). Also called: EHLERS-DANLOS SYNDROME, GRAVIS TYPE; EHLERS-DANLOS SYNDROME, SEVERE CLASSIC TYPE; Ehlers-Danlos syndrome, type 1; Ehlers-Danlos Syndrome, Classic Type, COL5A1-Related; EDS I. Identifiers: MedGen C0268335, MONDO:0019567, OMIM 130000.
COL5A2-related disorder. Also called: COL5A2-related condition.

gnomAD v4.1: 1 of 1,614,166 alleles (0.000062%); highest among the groups gnomAD compares: Non-Finnish European, 0.000085%; no homozygotes.

Submissions (3):

Women's Health and Genetics/Laboratory Corporation of America, LabCorp
Classification: Uncertain significance. Last evaluated: 2025-12-16. Review status: criteria provided, single submitter. Criteria: LabCorp Variant Classification Summary - May 2015. Collection method: clinical testing. Allele origin: germline.
Comment: Variant summary: COL5A2 c.3263C>T (p.Pro1088Leu) results in a non-conservative amino acid change in the encoded protein sequence. Algorithms developed to predict the effect of missense changes on protein structure and function all suggest that this variant is likely to be disruptive. The variant was absent in 251384 control chromosomes. The available data on variant occurrences in the general population are insufficient to allow any conclusion about variant significance. To our knowledge, no occurrence of c.3263C>T in individuals affected with COL5A2-related conditions and no experimental evidence demonstrating its impact on protein function have been reported. No submitters have cited clinical-significance assessments for this variant to ClinVar. Based on the evidence outlined above, the variant was classified as uncertain significance.

Labcorp Genetics (formerly Invitae), Labcorp
Classification: Uncertain significance for Ehlers-Danlos syndrome, classic type, 1. Last evaluated: 2025-08-20. Review status: criteria provided, single submitter. Criteria: Invitae Variant Classification Sherloc (09022015). Collection method: clinical testing. Allele origin: germline.
Comment: This sequence change replaces proline, which is neutral and non-polar, with leucine, which is neutral and non-polar, at codon 1088 of the COL5A2 protein (p.Pro1088Leu). This variant is not present in population databases (gnomAD no frequency). This variant has not been reported in the literature in individuals affected with COL5A2-related conditions. Invitae Evidence Modeling of protein sequence and biophysical properties (such as structural, functional, and spatial information, amino acid conservation, physicochemical variation, residue mobility, and thermodynamic stability) indicates that this missense variant is not expected to disrupt COL5A2 protein function with a negative predictive value of 80%. In summary, the available evidence is currently insufficient to determine the role of this variant in disease. Therefore, it has been classified as a Variant of Uncertain Significance.

PreventionGenetics, part of Exact Sciences
Classification: Uncertain significance for COL5A2-related condition. Last evaluated: 2025-01-10. Review status: criteria provided, single submitter. Criteria: ACMG Guidelines, 2015. Collection method: clinical testing. Allele origin: germline.
Comment: The COL5A2 c.3263C>T variant is predicted to result in the amino acid substitution p.Pro1088Leu. To our knowledge, this variant has not been reported in the literature or in gnomAD, indicating that this variant is rare. At this time, the clinical significance of this variant is uncertain due to the absence of conclusive functional and genetic evidence.

NM_000393.5(COL5A2):c.3263C>T (p.Pro1088Leu)

Gene: COL5A2 (collagen type V alpha 2 chain; minus strand). Cytogenetic location: 2q32.2.
Variant type: single nucleotide variant.
Coding change: c.3263C>T on transcript NM_000393.5 (MANE Select); coding-DNA position 3263, C replaced by T.
Protein change: p.Pro1088Leu; replaces proline 1088 with leucine.
Molecular consequence: missense variant.
Genome position (GRCh38, 1-based): chr2:189,045,846, G>A on the plus strand (C>T on the coding strand, the complement: COL5A2 is on the minus strand). VCF-style: chr2-189045846-G-A. GRCh37 (hg19) VCF-style: chr2-189910572-G-A.
Other names: c.3263C>T (NM_000393.4); short protein forms P1088L.
Identifiers: ClinVar variation 4688255 (VCV004688255.3).